The following is an entry in ClinVar:

ClinVar aggregate classification (germline): Uncertain significance. Review status: criteria provided, multiple submitters, no conflicts (2 of 4 stars). 2 submissions from 2 submitters: Uncertain significance (2). Last evaluated 2023-07-12.

Conditions:
Hereditary cancer-predisposing syndrome. Also called: Tumor predisposition; Hereditary Cancer Syndrome; Hereditary neoplastic syndrome; Neoplastic Syndromes, Hereditary. Identifiers: Orphanet 140162, MedGen C0027672, MeSH D009386, MONDO:0015356.
Rhabdoid tumor predisposition syndrome 2 (RTPS2). Identifiers: Orphanet 231108, Orphanet 69077, MedGen C2750074, MONDO:0013224, OMIM 613325.

Submissions (2):

Ambry Genetics
Classification: Uncertain significance for Hereditary cancer-predisposing syndrome. Last evaluated: 2023-07-12. Review status: criteria provided, single submitter. Criteria: Ambry Variant Classification Scheme 2023. Collection method: clinical testing. Allele origin: germline.
Comment: The p.G1613S variant (also known as c.4837G>A), located in coding exon 33 of the SMARCA4 gene, results from a G to A substitution at nucleotide position 4837. The glycine at codon 1613 is replaced by serine, an amino acid with similar properties. Missense and in-frame variants in SMARCA4 are known to cause neurodevelopmental disorders; however, such associations with rhabdoid tumor predisposition syndrome including small cell carcinoma of the ovary-hypercalcemic type (SCCOHT) are exceedingly rare (Kosho T et al. Am J Med Genet C Semin Med Genet. 2014 Sep;166C(3):262-75; Jelinic P et al. Nat Genet. 2014 May;46(5):424-6). This amino acid position is not well conserved in available vertebrate species. In addition, the in silico prediction for this alteration is inconclusive. Based on the supporting evidence, the association of this alteration with Coffin-Siris syndrome is unknown; however, the association of this alteration with rhabdoid tumor predisposition syndrome is unlikely.

Labcorp Genetics (formerly Invitae), Labcorp
Classification: Uncertain significance for Rhabdoid tumor predisposition syndrome 2. Last evaluated: 2022-01-28. Review status: criteria provided, single submitter. Criteria: Invitae Variant Classification Sherloc (09022015). Collection method: clinical testing. Allele origin: germline.
Comment: This variant has not been reported in the literature in individuals affected with SMARCA4-related conditions. In summary, the available evidence is currently insufficient to determine the role of this variant in disease. Therefore, it has been classified as a Variant of Uncertain Significance. Algorithms developed to predict the effect of missense changes on protein structure and function (SIFT, PolyPhen-2, Align-GVGD) all suggest that this variant is likely to be tolerated. This variant is not present in population databases (gnomAD no frequency). This sequence change replaces glycine, which is neutral and non-polar, with serine, which is neutral and polar, at codon 1613 of the SMARCA4 protein (p.Gly1613Ser).

NM_003072.5(SMARCA4):c.4741G>A (p.Gly1581Ser)

Gene: SMARCA4 (SWI/SNF related BAF chromatin remodeling complex subunit ATPase 4; plus strand). Cytogenetic location: 19p13.2.
Variant type: single nucleotide variant.
Coding change: c.4741G>A on transcript NM_003072.5 (MANE Select); coding-DNA position 4741, G replaced by A.
Protein change: p.Gly1581Ser; replaces glycine 1581 with serine.
Molecular consequence: missense variant. On other transcripts: non-coding transcript variant (1).
Genome position (GRCh38, 1-based): chr19:11,059,858, G>A. VCF-style: chr19-11059858-G-A. GRCh37 (hg19) VCF-style: chr19-11170534-G-A.
Other names: c.4741G>A, p.Gly1581Ser (NM_001128844.3); c.4651G>A, p.Gly1551Ser (NM_001128845.2); c.4648G>A, p.Gly1550Ser (NM_001128846.2); c.4642G>A, p.Gly1548Ser (NM_001128847.4, NM_001374457.1); c.4639G>A, p.Gly1547Ser (NM_001128848.2); c.4837G>A, p.Gly1613Ser (NM_001128849.3, NM_001387283.1); c.4738G>A, p.Gly1580Ser (NM_001411150.1); c.4837G>A (NM_001128849.1); short protein forms G1550S, G1551S, G1547S, G1548S, G1580S, G1581S, G1613S.
Identifiers: ClinVar variation 2090599 (VCV002090599.6), dbSNP rs1600644688, ClinGen allele CA404079721.